The following is an entry in ClinVar:

ClinVar aggregate classification (germline): Benign/Likely benign. Review status: criteria provided, multiple submitters, no conflicts (2 of 4 stars). 3 submissions from 3 submitters: Benign (1); Likely benign (2). Last evaluated 2025-03-08.

Conditions:
Hereditary cancer-predisposing syndrome. Also called: Tumor predisposition; Hereditary Cancer Syndrome; Neoplastic Syndromes, Hereditary; Hereditary neoplastic syndrome. Identifiers: Orphanet 140162, MedGen C0027672, MeSH D009386, MONDO:0015356.
Hereditary diffuse gastric adenocarcinoma (HDGC). Also called: DIFFUSE GASTRIC AND LOBULAR BREAST CANCER SYNDROME. Identifiers: Orphanet 26106, MedGen C1708349, MONDO:0007648, OMIM 137215.

Allele frequency attached by ClinVar (database versions not stated): gnomAD exomes below 0.00001; ExAC 0.00001; ESP Exome Variant Server 0.00008.
gnomAD v4.1: 3 of 1,613,900 alleles (0.00019%); highest among the groups gnomAD compares: Non-Finnish European, 0.00025%; no homozygotes.

Submissions (3):

Ambry Genetics
Classification: Likely benign for Hereditary cancer-predisposing syndrome. Last evaluated: 2025-03-08. Review status: criteria provided, single submitter. Criteria: Ambry Variant Classification Scheme 2023. Collection method: clinical testing. Allele origin: germline.

Myriad Genetics, Inc.
Classification: Benign for Hereditary diffuse gastric adenocarcinoma. Last evaluated: 2024-09-20. Review status: criteria provided, single submitter. Criteria: Myriad Autosomal Dominant, Autosomal Recessive and X-Linked Classification Criteria (2023). Collection method: clinical testing. Allele origin: unknown.
Comment: This variant is considered benign. This variant is a silent/synonymous amino acid change and it is not expected to impact splicing.

Labcorp Genetics (formerly Invitae), Labcorp
Classification: Likely benign for Hereditary diffuse gastric adenocarcinoma. Last evaluated: 2020-06-23. Review status: criteria provided, single submitter. Criteria: Invitae Variant Classification Sherloc (09022015). Collection method: clinical testing. Allele origin: germline.

NM_004360.5(CDH1):c.2113T>C (p.Leu705=)

Gene: CDH1 (cadherin 1; plus strand). Cytogenetic location: 16q22.1.
Variant type: single nucleotide variant.
Coding change: c.2113T>C on transcript NM_004360.5 (MANE Select); coding-DNA position 2113, T replaced by C.
Protein change: p.Leu705=; no amino-acid change (leucine 705 retained).
Molecular consequence: synonymous variant.
Genome position (GRCh38, 1-based): chr16:68,823,575, T>C. VCF-style: chr16-68823575-T-C. GRCh37 (hg19) VCF-style: chr16-68857478-T-C.
Other names: c.1930T>C, p.Leu644= (NM_001317184.2); c.565T>C, p.Leu189= (NM_001317185.2); c.148T>C, p.Leu50= (NM_001317186.2).
Identifiers: ClinVar variation 753617 (VCV000753617.10), dbSNP rs369525438, ClinGen allele CA8130193.